The following is an entry in ClinVar:

NM_014363.6(SACS):c.675T>G (p.His225Gln)

Gene: SACS (sacsin molecular chaperone; minus strand). Cytogenetic location: 13q12.12.
Variant type: single nucleotide variant.
Coding change: c.675T>G on transcript NM_014363.6 (MANE Select); coding-DNA position 675, T replaced by G.
Protein change: p.His225Gln; replaces histidine 225 with glutamine.
Molecular consequence: missense variant.
Genome position (GRCh38, 1-based): chr13:23,355,937, A>C on the plus strand (T>G on the coding strand, the complement: SACS is on the minus strand). VCF-style: chr13-23355937-A-C. GRCh37 (hg19) VCF-style: chr13-23930076-A-C.
Other names: c.234T>G, p.His78Gln (NM_001278055.2); short protein forms H78Q, H225Q.
Identifiers: ClinVar variation 1383574 (VCV001383574.5), dbSNP rs2137729069, ClinGen allele CA387551396.

ClinVar aggregate classification (germline): Uncertain significance (1 of 4 stars; one submission).

Conditions:
Spastic paraplegia. Identifiers: MedGen C0037772, HP:0001258.

gnomAD v4.1: 1 of 1,614,146 alleles (0.000062%); no homozygotes.

Submission:

Labcorp Genetics (formerly Invitae), Labcorp
Classification: Uncertain significance for Spastic paraplegia. Last evaluated: 2022-08-09. Review status: criteria provided, single submitter. Criteria: Invitae Variant Classification Sherloc (09022015). Collection method: clinical testing. Allele origin: germline.
Comment: This sequence change replaces histidine, which is basic and polar, with glutamine, which is neutral and polar, at codon 225 of the SACS protein (p.His225Gln). This variant is not present in population databases (gnomAD no frequency). This variant has not been reported in the literature in individuals affected with SACS-related conditions. ClinVar contains an entry for this variant (Variation ID: 1383574). Advanced modeling of protein sequence and biophysical properties (such as structural, functional, and spatial information, amino acid conservation, physicochemical variation, residue mobility, and thermodynamic stability) performed at Invitae indicates that this missense variant is not expected to disrupt SACS protein function. Algorithms developed to predict the effect of sequence changes on RNA splicing suggest that this variant may create or strengthen a splice site. In summary, the available evidence is currently insufficient to determine the role of this variant in disease. Therefore, it has been classified as a Variant of Uncertain Significance.